The following is an entry in ClinVar:

ClinVar aggregate classification (germline): Uncertain significance (1 of 4 stars; one submission).

Conditions:
MEGF10-related myopathy (CMYO10A). Also called: Congenital myopathy 10A, severe variant. Identifiers: Orphanet 439212, MedGen C3280679, MONDO:0013731, OMIM 614399.

Allele frequency attached by ClinVar (database versions not stated): gnomAD exomes below 0.00001 and 0.00001; TOPMed below 0.00001; ExAC 0.00001; gnomAD 0.00001.
gnomAD v4.1: 7 of 1,603,940 alleles (0.00044%); highest among the groups gnomAD compares: South Asian, 0.0011%; no homozygotes.

Submission:

Labcorp Genetics (formerly Invitae), Labcorp
Classification: Uncertain significance for MEGF10-related myopathy. Last evaluated: 2020-02-04. Review status: criteria provided, single submitter. Criteria: Invitae Variant Classification Sherloc (09022015). Collection method: clinical testing. Allele origin: germline.
Comment: In summary, the available evidence is currently insufficient to determine the role of this variant in disease. Therefore, it has been classified as a Variant of Uncertain Significance. Algorithms developed to predict the effect of missense changes on protein structure and function are either unavailable or do not agree on the potential impact of this missense change (SIFT: "Deleterious"; PolyPhen-2: "Possibly Damaging"; Align-GVGD: "Class C0"). This variant has not been reported in the literature in individuals with MEGF10-related conditions. This variant is present in population databases (rs769476956, ExAC 0.002%). This sequence change replaces histidine with tyrosine at codon 108 of the MEGF10 protein (p.His108Tyr). The histidine residue is highly conserved and there is a moderate physicochemical difference between histidine and tyrosine.

NM_001256545.2(MEGF10):c.322C>T (p.His108Tyr)

Gene: MEGF10 (multiple EGF like domains 10; plus strand). Cytogenetic location: 5q23.2.
Variant type: single nucleotide variant.
Coding change: c.322C>T on transcript NM_001256545.2 (MANE Select); coding-DNA position 322, C replaced by T.
Protein change: p.His108Tyr; replaces histidine 108 with tyrosine.
Molecular consequence: missense variant.
Genome position (GRCh38, 1-based): chr5:127,369,912, C>T. VCF-style: chr5-127369912-C-T. GRCh37 (hg19) VCF-style: chr5-126705604-C-T.
Other names: c.322C>T, p.His108Tyr (NM_001308119.2, NM_001308121.2, NM_032446.3); short protein forms H108Y.
Identifiers: ClinVar variation 1053417 (VCV001053417.9), dbSNP rs769476956, ClinGen allele CA3391248.